The following is an entry in ClinVar:

NM_006086.4(TUBB3):c.1129C>T (p.Leu377=)

Gene: TUBB3 (tubulin beta 3 class III; plus strand). Cytogenetic location: 16q24.3.
Variant type: single nucleotide variant.
Coding change: c.1129C>T on transcript NM_006086.4 (MANE Select); coding-DNA position 1129, C replaced by T.
Protein change: p.Leu377=; no amino-acid change (leucine 377 retained).
Molecular consequence: synonymous variant.
Genome position (GRCh38, 1-based): chr16:89,935,580, C>T. VCF-style: chr16-89935580-C-T. GRCh37 (hg19) VCF-style: chr16-90001988-C-T.
Other names: c.913C>T, p.Leu305= (NM_001197181.2).
Identifiers: ClinVar variation 4527516 (VCV004527516.1).

ClinVar aggregate classification (germline): Uncertain significance (1 of 4 stars; one submission).

gnomAD v4.1: 2 of 1,614,038 alleles (0.00012%); highest among the groups gnomAD compares: Non-Finnish European, 0.00017%; no homozygotes.

Submission:

GeneDx
Classification: Uncertain significance. Last evaluated: 2025-04-30. Review status: criteria provided, single submitter. Criteria: GeneDx Variant Classification Process June 2021. Collection method: clinical testing. Allele origin: germline. Affected: yes.
Comment: In silico analysis indicates that this variant does not alter splicing; Has not been previously published as pathogenic or benign to our knowledge